The following is an entry in ClinVar:

NM_032119.4(ADGRV1):c.10157C>T (p.Thr3386Ile)

Gene: ADGRV1 (adhesion G protein-coupled receptor V1; plus strand). Cytogenetic location: 5q14.3.
Variant type: single nucleotide variant.
Coding change: c.10157C>T on transcript NM_032119.4 (MANE Select); coding-DNA position 10157, C replaced by T.
Protein change: p.Thr3386Ile; replaces threonine 3386 with isoleucine.
Molecular consequence: missense variant. On other transcripts: non-coding transcript variant (1).
Genome position (GRCh38, 1-based): chr5:90,725,652, C>T. VCF-style: chr5-90725652-C-T. GRCh37 (hg19) VCF-style: chr5-90021469-C-T.
Other names: short protein forms T3386I.
Identifiers: ClinVar variation 1412596 (VCV001412596.9), dbSNP rs2149797861, ClinGen allele CA360403401.

ClinVar aggregate classification (germline): Uncertain significance. Review status: criteria provided, multiple submitters, no conflicts (2 of 4 stars). 2 submissions from 2 submitters: Uncertain significance (2). Last evaluated 2025-10-20.

gnomAD v4.1: 3 of 1,481,616 alleles (0.0002%); highest among the groups gnomAD compares: Non-Finnish European, 0.00019%; no homozygotes.

Submissions (2):

Labcorp Genetics (formerly Invitae), Labcorp
Classification: Uncertain significance. Last evaluated: 2025-10-20. Review status: criteria provided, single submitter. Criteria: Invitae Variant Classification Sherloc (09022015). Collection method: clinical testing. Allele origin: germline.
Comment: This sequence change replaces threonine, which is neutral and polar, with isoleucine, which is neutral and non-polar, at codon 3386 of the ADGRV1 protein (p.Thr3386Ile). This variant is not present in population databases (gnomAD no frequency). This variant has not been reported in the literature in individuals affected with ADGRV1-related conditions. ClinVar contains an entry for this variant (Variation ID: 1412596). Invitae Evidence Modeling of protein sequence and biophysical properties (such as structural, functional, and spatial information, amino acid conservation, physicochemical variation, residue mobility, and thermodynamic stability) indicates that this missense variant is not expected to disrupt ADGRV1 protein function with a negative predictive value of 95%. In summary, the available evidence is currently insufficient to determine the role of this variant in disease. Therefore, it has been classified as a Variant of Uncertain Significance.

Blueprint Genetics
Classification: Uncertain significance. Last evaluated: 2022-09-16. Review status: criteria provided, single submitter. Criteria: ACMG Guidelines, 2015. Collection method: clinical testing. Allele origin: germline.